The following is an entry in ClinVar:

ClinVar aggregate classification (germline): Conflicting classifications of pathogenicity. Review status: criteria provided, conflicting classifications (1 of 4 stars). 2 submissions from 2 submitters: Pathogenic (1); Uncertain significance (1). Last evaluated 2026-08-10.

Conditions:
Hereditary cancer-predisposing syndrome. Also called: Hereditary Cancer Syndrome; Hereditary neoplastic syndrome; Neoplastic Syndromes, Hereditary; Tumor predisposition. Identifiers: Orphanet 140162, MedGen C0027672, MeSH D009386, MONDO:0015356.

gnomAD v4.1: 2 of 1,613,184 alleles (0.00012%); highest among the groups gnomAD compares: Middle Eastern, 0.017%; no homozygotes.

Submissions (2):

Ambry Genetics
Classification: Uncertain significance for Hereditary cancer-predisposing syndrome. Last evaluated: 2026-08-10. Review status: criteria provided, single submitter. Criteria: Ambry Variant Classification Scheme 2023. Collection method: clinical testing. Allele origin: germline.
Comment: The p.W369* variant (also known as c.1106G>A), located in coding exon 11 of the POLE gene, results from a G to A substitution at nucleotide position 1106. This changes the amino acid from a tryptophan to a stop codon within coding exon 11. This alteration is expected to result in loss of function by premature protein truncation or nonsense-mediated mRNA decay. Although biallelic loss of function of POLE has been associated with autosomal recessive POLE deficiency, haploinsufficiency of POLE has not been established as a mechanism of disease for POLE-related polymerase proofreading-associated polyposis (PPAP) and POLE-related CMMRD-like syndrome. Based on the supporting evidence, this variant is expected to be causative of POLE deficiency when present along with a second pathogenic variant on the other allele; however, its clinical significance for PPAP and POLE-related CMMRD-like syndrome is unclear.

Labcorp Genetics (formerly Invitae), Labcorp
Classification: Pathogenic. Last evaluated: 2025-05-05. Review status: criteria provided, single submitter. Criteria: Invitae Variant Classification Sherloc (09022015). Collection method: clinical testing. Allele origin: germline.
Comment: This sequence change creates a premature translational stop signal (p.Trp369*) in the POLE gene. It is expected to result in an absent or disrupted protein product. Loss-of-function variants in POLE are known to be pathogenic (PMID: 23230001, 25948378, 30503519). This variant is not present in population databases (gnomAD no frequency). This premature translational stop signal has been observed in individual(s) with POLE-related conditions (PMID: 35312039). Algorithms developed to predict the effect of sequence changes on RNA splicing suggest that this variant may disrupt the consensus splice site. For these reasons, this variant has been classified as Pathogenic.

Literature cited by the submitters: PubMed 23230001 (cited by Labcorp Genetics (formerly Invitae), Labcorp); PubMed 25948378 (cited by Labcorp Genetics (formerly Invitae), Labcorp); PubMed 30503519 (cited by Labcorp Genetics (formerly Invitae), Labcorp); PubMed 35312039 (cited by Labcorp Genetics (formerly Invitae), Labcorp).

NM_006231.4(POLE):c.1106G>A (p.Trp369Ter)

Gene: POLE (DNA polymerase epsilon, catalytic subunit; minus strand). Cytogenetic location: 12q24.33.
Variant type: single nucleotide variant.
Coding change: c.1106G>A on transcript NM_006231.4 (MANE Select); coding-DNA position 1106, G replaced by A.
Protein change: p.Trp369Ter; replaces tryptophan 369 with a stop codon.
Molecular consequence: nonsense.
Genome position (GRCh38, 1-based): chr12:132,675,735, C>T on the plus strand (G>A on the coding strand, the complement: POLE is on the minus strand). VCF-style: chr12-132675735-C-T. GRCh37 (hg19) VCF-style: chr12-133252321-C-T.
Other names: c.1106G>A (NM_006231.2); short protein forms W369*.
Identifiers: ClinVar variation 4771607 (VCV004771607.2).
Genomic context (GRCh38, chr12:132,675,735, plus strand): 5'-CACGCAACGCCCTCCCTCTCAAATGCTGCCCAGTTACTCATAGAGAAGACACAGACTCAC[C>T]AGTCAAAAAAGTCCCCGTTGTAGGTGACCATGATGGTGGGTTTGGTCTCCTGGACGTGTT-3'